The following is an entry in ClinVar:

ClinVar aggregate classification (germline): Uncertain significance (1 of 4 stars; one submission).

Conditions:
Familial cold autoinflammatory syndrome 2 (FCAS2). Identifiers: Orphanet 247868, MedGen C2673198, MONDO:0012724, OMIM 611762.

Submission:

Labcorp Genetics (formerly Invitae), Labcorp
Classification: Uncertain significance for Familial cold autoinflammatory syndrome 2. Last evaluated: 2020-04-14. Review status: criteria provided, single submitter. Criteria: Invitae Variant Classification Sherloc (09022015). Collection method: clinical testing. Allele origin: germline.
Comment: This variant results in a copy number gain of the genomic region encompassing exons 9-10 of the NLRP12 gene. The 5' boundary is likely confined to intron 8. The 3' end of this event is unknown as it extends beyond the assayed region for this gene and therefore may encompass additional genes. As the precise location of this event is unknown, it may be in tandem or it may be located elsewhere in the genome. This variant has not been reported in the literature in individuals with NLRP12-related conditions. In summary, the available evidence is currently insufficient to determine the role of this variant in disease. Therefore, it has been classified as a Variant of Uncertain Significance.

NC_000019.9:g.(?_54297283)_(54299303_?)dup

Gene: NLRP12 (NLR family pyrin domain containing 12; minus strand). Cytogenetic location: 19q13.42.
Variant type: Duplication.
Identifiers: ClinVar variation 1036881 (VCV001036881.1).